The following is an entry in ClinVar:

NM_052867.4(NALCN):c.1616C>T (p.Thr539Met)

Gene: NALCN (sodium leak channel, non-selective; minus strand). Cytogenetic location: 13q33.1.
Variant type: single nucleotide variant.
Coding change: c.1616C>T on transcript NM_052867.4 (MANE Select); coding-DNA position 1616, C replaced by T.
Protein change: p.Thr539Met; replaces threonine 539 with methionine.
Molecular consequence: missense variant.
Genome position (GRCh38, 1-based): chr13:101,229,403, G>A on the plus strand (C>T on the coding strand, the complement: NALCN is on the minus strand). VCF-style: chr13-101229403-G-A. GRCh37 (hg19) VCF-style: chr13-101881754-G-A.
Other names: c.1616C>T, p.Thr539Met (NM_001350748.2, NM_001350749.2); c.1529C>T, p.Thr510Met (NM_001350750.2, NM_001350751.2); short protein forms T539M, T510M.
Identifiers: ClinVar variation 2005178 (VCV002005178.4), dbSNP rs998176594, ClinGen allele CA256064472.
Genomic context (GRCh38, chr13:101,229,403, plus strand): 5'-ACTAAAATAAGAACAATGAATTTAACTTACTGCATTTTTAAAACTCTTACCCTCGGAAAC[G>A]TAGTAAATCTGTCCAGTTCTTCGACAAAGCAGAACATCTGCAAACTAATTGCTGACATAA-3'
Protein context (NP_443099.1, residues 529-549): CFVEELDRFT[Thr539Met]FPRAFMSMFQ

ClinVar aggregate classification (germline): Uncertain significance (1 of 4 stars; one submission).

gnomAD v4.1: 10 of 1,576,082 alleles (0.00063%); highest among the groups gnomAD compares: Non-Finnish European, 0.00077%; no homozygotes.

Submission:

Labcorp Genetics (formerly Invitae), Labcorp
Classification: Uncertain significance. Last evaluated: 2022-08-19. Review status: criteria provided, single submitter. Criteria: Invitae Variant Classification Sherloc (09022015). Collection method: clinical testing. Allele origin: germline.
Comment: In summary, the available evidence is currently insufficient to determine the role of this variant in disease. Therefore, it has been classified as a Variant of Uncertain Significance. Advanced modeling of protein sequence and biophysical properties (such as structural, functional, and spatial information, amino acid conservation, physicochemical variation, residue mobility, and thermodynamic stability) performed at Invitae indicates that this missense variant is expected to disrupt NALCN protein function. This variant has not been reported in the literature in individuals affected with NALCN-related conditions. The frequency data for this variant in the population databases is considered unreliable, as metrics indicate poor data quality at this position in the gnomAD database. This sequence change replaces threonine, which is neutral and polar, with methionine, which is neutral and non-polar, at codon 539 of the NALCN protein (p.Thr539Met).